The following is an entry in ClinVar:

ClinVar aggregate classification (germline): Benign/Likely benign. Review status: criteria provided, multiple submitters, no conflicts (2 of 4 stars). 3 submissions from 3 submitters: Benign (1); Likely benign (2). Last evaluated 2026-03-01.

Conditions:
Cortisone reductase deficiency 1 (CORTRD1). Identifiers: Orphanet 168588, MedGen C3551716, MONDO:0011503, OMIM 604931.

Allele frequency attached by ClinVar (database versions not stated): gnomAD exomes 0.00076; ExAC 0.00101; gnomAD 0.00295 and 0.00319; 1000 Genomes Project 30x 0.00297; 1000 Genomes Project 0.00300; TOPMed 0.00319; ESP Exome Variant Server 0.00338.
gnomAD v4.1: 873 of 1,614,134 alleles (0.054%); highest among the groups gnomAD compares: African/African-American, 1%; 6 homozygotes.

Submissions (3):

CeGaT Center for Human Genetics Tuebingen
Classification: Likely benign. Last evaluated: 2026-03-01. Review status: criteria provided, single submitter. Criteria: CeGaT Center For Human Genetics Tuebingen Variant Classification Criteria Version 2. Collection method: clinical testing. Allele origin: germline. Affected: yes. Observed: 1 variant allele.
Comment: H6PD: BP4, BP7, BS1

Labcorp Genetics (formerly Invitae), Labcorp
Classification: Benign. Last evaluated: 2025-08-17. Review status: criteria provided, single submitter. Criteria: Invitae Variant Classification Sherloc (09022015). Collection method: clinical testing. Allele origin: germline.

Fulgent Genetics
Classification: Likely benign for Cortisone reductase deficiency 1. Last evaluated: 2021-07-26. Review status: criteria provided, single submitter. Criteria: ACMG Guidelines, 2015. Collection method: clinical testing. Allele origin: unknown.

NM_004285.4(H6PD):c.1053C>T (p.Gly351=)

Gene: H6PD (hexose-6-phosphate dehydrogenase/glucose 1-dehydrogenase; plus strand). Cytogenetic location: 1p36.22.
Variant type: single nucleotide variant.
Coding change: c.1053C>T on transcript NM_004285.4 (MANE Select); coding-DNA position 1053, C replaced by T.
Protein change: p.Gly351=; no amino-acid change (glycine 351 retained).
Molecular consequence: synonymous variant.
Genome position (GRCh38, 1-based): chr1:9,263,546, C>T. VCF-style: chr1-9263546-C-T. GRCh37 (hg19) VCF-style: chr1-9323605-C-T.
Other names: c.1086C>T, p.Gly362= (NM_001282587.2).
Identifiers: ClinVar variation 791775 (VCV000791775.14), dbSNP rs34448374, ClinGen allele CA575186.